The following is an entry in ClinVar:

NM_000548.5(TSC2):c.2330A>G (p.His777Arg)

Gene: TSC2 (TSC complex subunit 2; plus strand). Cytogenetic location: 16p13.3.
Variant type: single nucleotide variant.
Coding change: c.2330A>G on transcript NM_000548.5 (MANE Select); coding-DNA position 2330, A replaced by G.
Protein change: p.His777Arg; replaces histidine 777 with arginine.
Molecular consequence: missense variant.
Genome position (GRCh38, 1-based): chr16:2,072,958, A>G. VCF-style: chr16-2072958-A-G. GRCh37 (hg19) VCF-style: chr16-2122959-A-G.
Other names: c.2330A>G, p.His777Arg (NM_001077183.3, NM_001114382.3, NM_001363528.2 and 3 more transcripts); c.2219A>G, p.His740Arg (NM_001318827.2); c.2183A>G, p.His728Arg (NM_001318829.2); c.1730A>G, p.His577Arg (NM_001318831.2); c.2363A>G, p.His788Arg (NM_001318832.2); short protein forms H577R, H740R, H788R, H728R, H777R.
Identifiers: ClinVar variation 844308 (VCV000844308.19), dbSNP rs759528809, ClinGen allele CA038433.
Genomic context (GRCh38, chr16:2,072,958, plus strand): 5'-TCTCCAGAACTGACTTGCACCTGGCCGTGGTTCCAGTGCTGACAGCATTAATCTCTTACC[A>G]TAACTACCTGGACAAAACCAAACAGGTAGGAGGTCAGAGCAGGACAGGCGAGCTTGATGG-3'
Protein context (NP_000539.2, residues 767-787): VPVLTALISY[His777Arg]NYLDKTKQRE

ClinVar aggregate classification (germline): Conflicting classifications of pathogenicity. Review status: criteria provided, conflicting classifications (1 of 4 stars). 6 submissions from 6 submitters: Uncertain significance (4); Likely benign (2). Last evaluated 2026-07-09.

Conditions:
Tuberous sclerosis 2 (TSC2). Identifiers: Orphanet 805, MedGen C1860707, MONDO:0013199, OMIM 613254.
Hereditary cancer-predisposing syndrome. Also called: Tumor predisposition; Hereditary neoplastic syndrome; Neoplastic Syndromes, Hereditary; Hereditary Cancer Syndrome. Identifiers: Orphanet 140162, MedGen C0027672, MeSH D009386, MONDO:0015356.
Tuberous sclerosis syndrome (TSC). Also called: Tuberous Sclerosis Complex; Tuberous sclerosis. Identifiers: Orphanet 805, MedGen C0041341, MONDO:0001734.

Allele frequency attached by ClinVar (database versions not stated): ExAC 0.00001; gnomAD exomes 0.00001.
gnomAD v4.1: 4 of 1,613,584 alleles (0.00025%); highest among the groups gnomAD compares: South Asian, 0.0044%; no homozygotes.

Submissions (6):

Ambry Genetics
Classification: Uncertain significance for Hereditary cancer-predisposing syndrome. Last evaluated: 2026-07-09. Review status: criteria provided, single submitter. Criteria: Ambry Variant Classification Scheme 2023. Collection method: clinical testing. Allele origin: germline.
Comment: The p.H777R variant (also known as c.2330A>G), located in coding exon 20 of the TSC2 gene, results from an A to G substitution at nucleotide position 2330. The histidine at codon 777 is replaced by arginine, an amino acid with highly similar properties. This amino acid position is highly conserved in available vertebrate species. In addition, this alteration is predicted to be deleterious by in silico analysis. Based on the available evidence, the clinical significance of this variant remains unclear.

Labcorp Genetics (formerly Invitae), Labcorp
Classification: Likely benign for Tuberous sclerosis 2. Last evaluated: 2025-10-23. Review status: criteria provided, single submitter. Criteria: Invitae Variant Classification Sherloc (09022015). Collection method: clinical testing. Allele origin: germline.

Color Diagnostics, LLC DBA Color Health
Classification: Likely benign for Tuberous sclerosis syndrome. Last evaluated: 2025-06-24. Review status: criteria provided, single submitter. Criteria: ACMG Guidelines, 2015. Collection method: clinical testing. Allele origin: germline.

All of Us Research Program, National Institutes of Health
Classification: Uncertain significance for Tuberous sclerosis syndrome. Last evaluated: 2023-06-08. Review status: criteria provided, single submitter. Criteria: ACMG Guidelines, 2015. Collection method: clinical testing. Allele origin: germline. Inheritance: Autosomal dominant inheritance. Observed: 2 variant alleles, 2 heterozygotes.
Comment: This missense variant replaces histidine with arginine at codon 777 of the TSC2 protein. Computational prediction suggests that this variant may have deleterious impact on protein structure and function (internally defined REVEL score threshold >= 0.7, PMID: 27666373). To our knowledge, functional studies have not been reported for this variant. This variant has not been reported in individuals affected with TSC2-related disorders in the literature. This variant has been identified in 2/250916 chromosomes in the general population by the Genome Aggregation Database (gnomAD). The available evidence is insufficient to determine the role of this variant in disease conclusively. Therefore, this variant is classified as a Variant of Uncertain Significance.

This study involves interpretation of variants in research participants for the purpose of population health screening. Participant phenotype was not available at the time of variant classification. Additional details can be found in publication PMID: 35346344, PMCID: PMC8962531

Genome-Nilou Lab
Classification: Uncertain significance for Tuberous sclerosis 2. Last evaluated: 2021-11-07. Review status: criteria provided, single submitter. Criteria: ACMG Guidelines, 2015. Collection method: clinical testing. Allele origin: germline. Affected: no.

GeneDx
Classification: Uncertain significance. Last evaluated: 2019-04-22. Review status: criteria provided, single submitter. Criteria: GeneDx Variant Classification Process June 2021. Collection method: clinical testing. Allele origin: germline. Affected: yes.
Comment: In silico analysis, which includes protein predictors and evolutionary conservation, supports a deleterious effect; This substitution does not occur within known functional domains of the tuberin protein, where many pathogenic missense variants have been identified (Northrup et al., 2018; Au et al., 2007); Has not been previously published as pathogenic or benign to our knowledge